The following is an entry in ClinVar:

ClinVar aggregate classification (germline): Benign. Review status: criteria provided, multiple submitters, no conflicts (2 of 4 stars). 5 submissions from 5 submitters: Benign (5). Last evaluated 2026-02-04.

Conditions:
Autosomal recessive nonsyndromic hearing loss 28. Identifiers: Orphanet 90636, MedGen C1853276, MONDO:0012355, OMIM 609823.

Allele frequency attached by ClinVar (database versions not stated): 1000 Genomes Project 0.00359; 1000 Genomes Project 30x 0.00406; TOPMed 0.00887; gnomAD 0.00892 and 0.00922; ExAC 0.00904; ESP Exome Variant Server 0.01029.
gnomAD v4.1: 20,685 of 1,613,872 alleles (1.3%); highest among the groups gnomAD compares: Non-Finnish European, 1.6%; 156 homozygotes.

Submissions (5):

Labcorp Genetics (formerly Invitae), Labcorp
Classification: Benign. Last evaluated: 2026-02-04. Review status: criteria provided, single submitter. Criteria: Invitae Variant Classification Sherloc (09022015). Collection method: clinical testing. Allele origin: germline.

CeGaT Center for Human Genetics Tuebingen
Classification: Benign. Last evaluated: 2024-02-01. Review status: criteria provided, single submitter. Criteria: CeGaT Center For Human Genetics Tuebingen Variant Classification Criteria Version 2. Collection method: clinical testing. Allele origin: germline. Affected: yes. Observed: 6 variant alleles.
Comment: TRIOBP: BS1, BS2

ARUP Laboratories, Molecular Genetics and Genomics, ARUP Laboratories
Classification: Benign for Autosomal recessive nonsyndromic hearing loss 28. Last evaluated: 2023-11-22. Review status: criteria provided, single submitter. Criteria: ARUP Molecular Germline Variant Investigation Process 2024. Collection method: clinical testing. Allele origin: germline.

GeneDx
Classification: Benign. Last evaluated: 2019-08-30. Review status: criteria provided, single submitter. Criteria: GeneDx Variant Classification Process June 2021. Collection method: clinical testing. Allele origin: germline. Affected: yes.

Breakthrough Genomics
Classification: Benign. Review status: criteria provided, single submitter. Criteria: ACMG Guidelines, 2015. Collection method: not provided. Allele origin: germline. Inheritance: Autosomal recessive inheritance. Affected: yes.

NM_001039141.3(TRIOBP):c.3089C>G (p.Pro1030Arg)

Gene: TRIOBP (TRIO and F-actin binding protein; plus strand). Cytogenetic location: 22q13.1.
Variant type: single nucleotide variant.
Coding change: c.3089C>G on transcript NM_001039141.3 (MANE Select); coding-DNA position 3089, C replaced by G.
Protein change: p.Pro1030Arg; replaces proline 1030 with arginine.
Molecular consequence: missense variant.
Genome position (GRCh38, 1-based): chr22:37,725,645, C>G. VCF-style: chr22-37725645-C-G. GRCh37 (hg19) VCF-style: chr22-38121652-C-G.
Other names: short protein forms P1030R.
Identifiers: ClinVar variation 811604 (VCV000811604.45), dbSNP rs193043234, ClinGen allele CA10224026.
Genomic context (GRCh38, chr22:37,725,645, plus strand): 5'-CCCAGCCTCCATGTGCTGTGTGCATTGGGCACCGGGATGCCCCTCGAGCCTCTTCGCCCC[C>G]TCGCTATTTGCAGCACGACCCCTTCCCCTTCTTCCCAGAGCCCCGCGCCCCTGAGAGTGA-3'
Protein context (NP_001034230.1, residues 1020-1040): HRDAPRASSP[Pro1030Arg]RYLQHDPFPF